The following is an entry in ClinVar:

ClinVar aggregate classification (germline): Uncertain significance (1 of 4 stars; one submission).

Conditions:
Inborn genetic diseases. Identifiers: MedGen C0950123, MeSH D030342.

Submission:

Ambry Genetics
Classification: Uncertain significance for Inborn genetic diseases. Last evaluated: 2026-07-24. Review status: criteria provided, single submitter. Criteria: Ambry Variant Classification Scheme 2023. Collection method: clinical testing. Allele origin: germline.
Comment: The p.I412V variant (also known as c.1234A>G), located in coding exon 7 of the ERCC6L2 gene, results from an A to G substitution at nucleotide position 1234. The isoleucine at codon 412 is replaced by valine, an amino acid with highly similar properties. This amino acid position is conserved. In addition, this alteration is predicted to be tolerated by in silico analysis. Based on the available evidence, the clinical significance of this variant remains unclear.

NM_020207.7(ERCC6L2):c.1234A>G (p.Ile412Val)

Gene: ERCC6L2 (ERCC excision repair 6 like 2; plus strand). Cytogenetic location: 9q22.32.
Variant type: single nucleotide variant.
Coding change: c.1234A>G on transcript NM_020207.7 (MANE Select); coding-DNA position 1234, A replaced by G.
Protein change: p.Ile412Val; replaces isoleucine 412 with valine.
Molecular consequence: missense variant. On other transcripts: non-coding transcript variant (1).
Genome position (GRCh38, 1-based): chr9:95,921,250, A>G. VCF-style: chr9-95921250-A-G. GRCh37 (hg19) VCF-style: chr9-98683532-A-G.
Other names: c.1234A>G, p.Ile412Val (NM_001010895.4, NM_001375291.1, NM_001375292.1 and 2 more transcripts); short protein forms I412V.
Identifiers: ClinVar variation 5036085 (VCV005036085.1).